The following is an entry in ClinVar:

NM_001267550.2(TTN):c.66441C>T (p.Ala22147=)

Genes: TTN (titin; minus strand), TTN-AS1 (TTN antisense RNA 1; plus strand). Cytogenetic location: 2q31.2.
Variant type: single nucleotide variant.
Coding change: c.66441C>T on transcript NM_001267550.2 (MANE Select); coding-DNA position 66441, C replaced by T.
Protein change: p.Ala22147=; no amino-acid change (alanine 22147 retained).
Molecular consequence: synonymous variant.
Genome position (GRCh38, 1-based): chr2:178,581,928, G>A on the plus strand (C>T on the coding strand, the complement: TTN is on the minus strand). VCF-style: chr2-178581928-G-A. GRCh37 (hg19) VCF-style: chr2-179446655-G-A.
Other names: c.61518C>T, p.Ala20506= (NM_001256850.1); c.39246C>T, p.Ala13082= (NM_003319.4); c.39621C>T, p.Ala13207= (NM_133432.3); c.39822C>T, p.Ala13274= (NM_133437.4); c.58737C>T, p.Ala19579= (NM_133378.4).
Identifiers: ClinVar variation 165885 (VCV000165885.17), dbSNP rs727503578, ClinGen allele CA178586.

ClinVar aggregate classification (germline): Likely benign. Review status: criteria provided, multiple submitters, no conflicts (2 of 4 stars). 4 submissions from 4 submitters: Likely benign (4). Last evaluated 2026-02-03.

Conditions:
Cardiovascular phenotype. Identifiers: MedGen CN230736.
Dilated cardiomyopathy 1G (CMD1G). Identifiers: Orphanet 154, MedGen C1858763, MONDO:0011400, OMIM 604145.
Autosomal recessive limb-girdle muscular dystrophy type 2J (LGMDR10). Also called: Limb-girdle muscular dystrophy, type 2J; MUSCULAR DYSTROPHY, LIMB-GIRDLE, AUTOSOMAL RECESSIVE 10. Identifiers: Orphanet 140922, MedGen C1837342, MONDO:0012127, OMIM 608807.

Allele frequency attached by ClinVar (database versions not stated): gnomAD exomes below 0.00001 and 0.00001; gnomAD 0.00001; TOPMed 0.00001.
gnomAD v4.1: 10 of 1,613,002 alleles (0.00062%); highest among the groups gnomAD compares: African/African-American, 0.004%; no homozygotes.

Submissions (4):

Labcorp Genetics (formerly Invitae), Labcorp
Classification: Likely benign for Dilated cardiomyopathy 1G; Autosomal recessive limb-girdle muscular dystrophy type 2J. Last evaluated: 2026-02-03. Review status: criteria provided, single submitter. Criteria: Invitae Variant Classification Sherloc (09022015). Collection method: clinical testing. Allele origin: germline.

Molecular Diagnostic Laboratory for Inherited Cardiovascular Disease, Montreal Heart Institute
Classification: Likely benign. Last evaluated: 2025-04-09. Review status: criteria provided, single submitter. Criteria: ACMG Guidelines, 2015. Collection method: clinical testing. Allele origin: germline. Affected: no.

Ambry Genetics
Classification: Likely benign for Cardiovascular phenotype. Last evaluated: 2022-05-23. Review status: criteria provided, single submitter. Criteria: Ambry Variant Classification Scheme 2023. Collection method: clinical testing. Allele origin: germline.

Laboratory for Molecular Medicine, Mass General Brigham Personalized Medicine
Classification: Likely benign. Last evaluated: 2014-02-06. Review status: criteria provided, single submitter. Criteria: LMM Criteria. Collection method: clinical testing. Allele origin: germline. Observed: 1 variant allele.
Comment: Ala19579Ala in exon 264 of TTN: This variant is not expected to have clinical s ignificance because it does not alter an amino acid residue and is not located w ithin the splice consensus sequence. Ala19579Ala in exon 264 of TTN (allele fr equency = n/a)